The following is an entry in ClinVar:

NM_006393.3(NEBL):c.631A>T (p.Ile211Phe)

Gene: NEBL (nebulette; minus strand). Cytogenetic location: 10p12.31.
Variant type: single nucleotide variant.
Coding change: c.631A>T on transcript NM_006393.3 (MANE Select); coding-DNA position 631, A replaced by T.
Protein change: p.Ile211Phe; replaces isoleucine 211 with phenylalanine.
Molecular consequence: missense variant. On other transcripts: intron variant (9).
Genome position (GRCh38, 1-based): chr10:20,868,717, T>A on the plus strand (A>T on the coding strand, the complement: NEBL is on the minus strand). VCF-style: chr10-20868717-T-A. GRCh37 (hg19) VCF-style: chr10-21157646-T-A.
Other names: c.250-55777A>T (NM_001377326.1, NM_001377327.1, NM_001377328.1); c.358-55777A>T (NM_213569.2, NM_001173484.2, NM_001377322.1); c.301-55777A>T (NM_001377324.1); c.292-55777A>T (NM_001377325.1); c.310-55777A>T (NM_001377323.1); short protein forms I211F.
Identifiers: ClinVar variation 3225582 (VCV003225582.1), dbSNP rs2492245956, ClinGen allele CA376103223.

ClinVar aggregate classification (germline): Uncertain significance (1 of 4 stars; one submission).

Submission:

Ambry Genetics
Classification: Uncertain significance. Last evaluated: 2023-10-08. Review status: criteria provided, single submitter. Criteria: Ambry Variant Classification Scheme 2023. Collection method: clinical testing. Allele origin: germline.
Comment: The p.I211F variant (also known as c.631A>T), located in coding exon 7 of the NEBL gene, results from an A to T substitution at nucleotide position 631. The isoleucine at codon 211 is replaced by phenylalanine, an amino acid with highly similar properties. This amino acid position is conserved. In addition, this alteration is predicted to be tolerated by in silico analysis. Since supporting evidence is limited at this time, the clinical significance of this alteration remains unclear.